The following is an entry in ClinVar:

ClinVar aggregate classification (germline): Likely benign. Review status: criteria provided, multiple submitters, no conflicts (2 of 4 stars). 5 submissions from 5 submitters: Likely benign (5). Last evaluated 2026-01-27.

Conditions:
Waardenburg syndrome type 2A (WS2A). Also called: WAARDENBURG SYNDROME WITHOUT DYSTOPIA CANTHORUM. Identifiers: Orphanet 3440, MedGen C1860339, MONDO:0008671, OMIM 193510.
Tietz syndrome (TADS). Also called: ALBINISM-DEAFNESS OF TIETZ; HYPOPIGMENTATION/DEAFNESS OF TIETZ; TIETZ ALBINISM-DEAFNESS SYNDROME. Identifiers: Orphanet 42665, MedGen C0391816, MONDO:0007077, OMIM 103500.
Melanoma, cutaneous malignant, susceptibility to, 8. Also called: MELANOMA AND RENAL CELL CARCINOMA, SUSCEPTIBILITY TO; Cutaneous malignant melanoma 8. Identifiers: Orphanet 293822, MedGen C3152204, MONDO:0013759, OMIM 614456.
Hereditary cancer-predisposing syndrome. Also called: Hereditary neoplastic syndrome; Neoplastic Syndromes, Hereditary; Tumor predisposition; Hereditary Cancer Syndrome. Identifiers: Orphanet 140162, MedGen C0027672, MeSH D009386, MONDO:0015356.

Allele frequency attached by ClinVar (database versions not stated): gnomAD exomes below 0.00001 and 0.00001; ExAC 0.00002; gnomAD 0.00005 and 0.00006; TOPMed 0.00010; 1000 Genomes Project 0.00020; 1000 Genomes Project 30x 0.00031.
gnomAD v4.1: 19 of 1,590,030 alleles (0.0012%); highest among the groups gnomAD compares: Admixed American, 0.01%; no homozygotes.

Submissions (5):

Labcorp Genetics (formerly Invitae), Labcorp
Classification: Likely benign for Melanoma, cutaneous malignant, susceptibility to, 8; Waardenburg syndrome type 2A; Tietz syndrome. Last evaluated: 2026-01-27. Review status: criteria provided, single submitter. Criteria: Invitae Variant Classification Sherloc (09022015). Collection method: clinical testing. Allele origin: germline.

Blueprint Genetics
Classification: Likely benign. Last evaluated: 2024-11-04. Review status: criteria provided, single submitter. Criteria: ACMG Guidelines, 2015. Collection method: clinical testing. Allele origin: germline.

Sema4
Classification: Likely benign for Hereditary cancer-predisposing syndrome. Last evaluated: 2020-10-23. Review status: criteria provided, single submitter. Criteria: Sema4 Curation Guidelines. Collection method: curation. Allele origin: germline.

GeneDx
Classification: Likely benign. Last evaluated: 2020-08-24. Review status: criteria provided, single submitter. Criteria: GeneDx Variant Classification Process June 2021. Collection method: clinical testing. Allele origin: germline. Affected: yes.

Laboratory for Molecular Medicine, Mass General Brigham Personalized Medicine
Classification: Likely benign. Last evaluated: 2016-08-04. Review status: criteria provided, single submitter. Criteria: LMM Criteria. Collection method: clinical testing. Allele origin: germline. Observed: 1 variant allele.
Comment: c.667-7C>T in intron 4 of MITF: This variant is not expected to have clinical si gnificance because a C>T change at this position does not diverge from the splic e consensus sequence and is therefore unlikely to impact splicing. It has been i dentified in 2/64710 European chromosomes by the Exome Aggregation Consortium (E xAC; dbSNP rs201271211).

NM_001354604.2(MITF):c.667-7C>T

Gene: MITF (melanocyte inducing transcription factor; plus strand). Cytogenetic location: 3p13.
Variant type: single nucleotide variant.
Coding change: c.667-7C>T on transcript NM_001354604.2 (MANE Select); 7 bases into the intron before coding-DNA position 667, C replaced by T.
Molecular consequence: intron variant.
Genome position (GRCh38, 1-based): chr3:69,941,229, C>T. VCF-style: chr3-69941229-C-T. GRCh37 (hg19) VCF-style: chr3-69990380-C-T.
Other names: c.616-7C>T (NM_001354607.2); c.511-7C>T (NM_001354608.2, NM_001184967.2); c.667-7C>T (NM_198159.3); c.664-7C>T (NM_001354605.2, NM_001354606.2, NM_006722.3); c.619-7C>T (NM_198177.3); c.346-7C>T (NM_000248.4, NM_198158.3); c.178-7C>T (NM_198178.3).
Identifiers: ClinVar variation 505225 (VCV000505225.14), dbSNP rs201271211, ClinGen allele CA2490435.